The following is an entry in ClinVar:

NM_033380.3(COL4A5):c.1870G>C (p.Gly624Arg)

Gene: COL4A5 (collagen type IV alpha 5 chain; plus strand). Cytogenetic location: Xq22.3.
Variant type: single nucleotide variant.
Coding change: c.1870G>C on transcript NM_033380.3 (MANE Select); coding-DNA position 1870, G replaced by C.
Protein change: p.Gly624Arg; replaces glycine 624 with arginine.
Molecular consequence: missense variant.
Genome position (GRCh38, 1-based): chrX:108,598,792, G>C. VCF-style: chrX-108598792-G-C. GRCh37 (hg19) VCF-style: chrX-107842022-G-C.
Other names: c.1870G>C, p.Gly624Arg (NM_000495.5); short protein forms G624R.
Identifiers: ClinVar variation 2155539 (VCV002155539.4), dbSNP rs2524314766, ClinGen allele CA413845779.

ClinVar aggregate classification (germline): Likely pathogenic (1 of 4 stars; one submission).

Allele frequency attached by ClinVar (database versions not stated): gnomAD exomes below 0.00001.
gnomAD v4.1: 3 of 1,211,308 alleles (0.00025%); highest among the groups gnomAD compares: Non-Finnish European, 0.00034%; no homozygotes.

Submission:

Labcorp Genetics (formerly Invitae), Labcorp
Classification: Likely pathogenic. Last evaluated: 2022-11-29. Review status: criteria provided, single submitter. Criteria: Invitae Variant Classification Sherloc (09022015). Collection method: clinical testing. Allele origin: germline.
Comment: Advanced modeling of protein sequence and biophysical properties (such as structural, functional, and spatial information, amino acid conservation, physicochemical variation, residue mobility, and thermodynamic stability) performed at Invitae indicates that this missense variant is expected to disrupt COL4A5 protein function. Algorithms developed to predict the effect of sequence changes on RNA splicing suggest that this variant may create or strengthen a splice site. This variant disrupts the p.Gly624 amino acid residue in COL4A5. Other variant(s) that disrupt this residue have been determined to be pathogenic (PMID: 17396119, 21332469, 21688191, 24470729, 26809805, 26934356, 29854973, 33309955). This suggests that this residue is clinically significant, and that variants that disrupt this residue are likely to be disease-causing. In summary, the currently available evidence indicates that the variant is pathogenic, but additional data are needed to prove that conclusively. Therefore, this variant has been classified as Likely Pathogenic. This variant has not been reported in the literature in individuals affected with COL4A5-related conditions. This sequence change replaces glycine, which is neutral and non-polar, with arginine, which is basic and polar, at codon 624 of the COL4A5 protein (p.Gly624Arg). This variant is not present in population databases (gnomAD no frequency).

Literature cited by the submitters: PubMed 17396119; PubMed 21332469; PubMed 21688191; PubMed 24470729; PubMed 26809805; PubMed 26934356; PubMed 29854973; PubMed 33309955.